The following is an entry in ClinVar:

ClinVar aggregate classification (germline): Uncertain significance (1 of 4 stars; one submission).

Conditions:
Inborn genetic diseases. Identifiers: MedGen C0950123, MeSH D030342.

Allele frequency attached by ClinVar (database versions not stated): TOPMed 0.00001; gnomAD 0.00002; gnomAD exomes 0.00002.
gnomAD v4.1: 34 of 1,536,048 alleles (0.0022%); highest among the groups gnomAD compares: Non-Finnish European, 0.0029%; no homozygotes.

Submission:

Ambry Genetics
Classification: Uncertain significance for Inborn genetic diseases. Last evaluated: 2020-03-23. Review status: criteria provided, single submitter. Criteria: Ambry Variant Classification Scheme 2023. Collection method: clinical testing. Allele origin: germline.
Comment: The c.4157A>G (p.Q1386R) alteration is located in exon 31 (coding exon 30) of the INTS1 gene. This alteration results from an A to G substitution at nucleotide position 4157, causing the glutamine (Q) at amino acid position 1386 to be replaced by an arginine (R). This variant was not reported in population-based cohorts in the Genome Aggregation Database (gnomAD). This amino acid position is well conserved in available vertebrate species. This alteration is predicted to be tolerated by in silico analysis. Based on insufficient or conflicting evidence, the clinical significance of this alteration remains unclear.

NM_001080453.3(INTS1):c.4157A>G (p.Gln1386Arg)

Gene: INTS1 (integrator complex subunit 1; minus strand). Cytogenetic location: 7p22.3.
Variant type: single nucleotide variant.
Coding change: c.4157A>G on transcript NM_001080453.3 (MANE Select); coding-DNA position 4157, A replaced by G.
Protein change: p.Gln1386Arg; replaces glutamine 1386 with arginine.
Molecular consequence: missense variant.
Genome position (GRCh38, 1-based): chr7:1,479,602, T>C on the plus strand (A>G on the coding strand, the complement: INTS1 is on the minus strand). VCF-style: chr7-1479602-T-C. GRCh37 (hg19) VCF-style: chr7-1519238-T-C.
Other names: short protein forms Q1386R.
Identifiers: ClinVar variation 985045 (VCV000985045.5), dbSNP rs1485426255, ClinGen allele CA366587013.